The following is an entry in ClinVar:

NM_000540.3(RYR1):c.4616T>C (p.Phe1539Ser)

Gene: RYR1 (ryanodine receptor 1; plus strand). Cytogenetic location: 19q13.2.
Variant type: single nucleotide variant.
Coding change: c.4616T>C on transcript NM_000540.3 (MANE Select); coding-DNA position 4616, T replaced by C.
Protein change: p.Phe1539Ser; replaces phenylalanine 1539 with serine.
Molecular consequence: missense variant.
Genome position (GRCh38, 1-based): chr19:38,478,596, T>C. VCF-style: chr19-38478596-T-C. GRCh37 (hg19) VCF-style: chr19-38969236-T-C.
Other names: c.4616T>C, p.Phe1539Ser (NM_001042723.2); short protein forms F1539S.
Identifiers: ClinVar variation 5005976 (VCV005005976.2).

ClinVar aggregate classification (germline): Uncertain significance (1 of 4 stars; one submission).

Conditions:
Congenital multicore myopathy with external ophthalmoplegia (CMYO1B). Also called: MULTIMINICORE DISEASE WITH EXTERNAL OPHTHALMOPLEGIA; Minicore myopathy with external ophthalmoplegia; Congenital myopathy 1B, autosomal recessive; Minicore myopathy; MULTICORE MYOPATHY. Identifiers: Orphanet 598, Orphanet 98905, MedGen C1850674, MONDO:0009712, OMIM 255320, HP:0003789.

Submission:

Juno Genomics, Hangzhou Juno Genomics, Inc
Classification: Uncertain significance for Congenital multicore myopathy with external ophthalmoplegia. Review status: criteria provided, single submitter. Criteria: ACMG Guidelines, 2015. Collection method: clinical testing. Allele origin: germline.
Comment: Absent from controls (or at extremely low frequency if recessive) in Genome Aggregation Database.;Multiple lines of computational evidence support a deleterious effect on the gene or gene product.